The following is an entry in ClinVar:

NM_004700.4(KCNQ4):c.826T>C (p.Trp276Arg)

Gene: KCNQ4 (potassium voltage-gated channel subfamily Q member 4; plus strand). Cytogenetic location: 1p34.2.
Variant type: single nucleotide variant.
Coding change: c.826T>C on transcript NM_004700.4 (MANE Select); coding-DNA position 826, T replaced by C.
Protein change: p.Trp276Arg; replaces tryptophan 276 with arginine.
Molecular consequence: missense variant.
Genome position (GRCh38, 1-based): chr1:40,819,464, T>C. VCF-style: chr1-40819464-T-C. GRCh37 (hg19) VCF-style: chr1-41285136-T-C.
Other names: c.826T>C, p.Trp276Arg (NM_172163.3); short protein forms W276R.
Identifiers: ClinVar variation 1699203 (VCV001699203.3), dbSNP rs2148319465, ClinGen allele CA339895710.

ClinVar aggregate classification (germline): Likely pathogenic (1 of 4 stars; one submission).

Conditions:
Autosomal dominant nonsyndromic hearing loss 2A. Also called: Autosomal dominant nonsyndromic deafness 2A; DFNA2 Nonsyndromic Hearing Loss; Deafness, autosomal dominant 2A. Identifiers: Orphanet 90635, MedGen C2677637, MONDO:0010817, OMIM 600101.

Submission:

Victorian Clinical Genetics Services, Murdoch Childrens Research Institute
Classification: Likely pathogenic for Autosomal dominant nonsyndromic hearing loss 2A. Last evaluated: 2022-02-02. Review status: criteria provided, single submitter. Criteria: ACMG Guidelines, 2015. Collection method: clinical testing. Allele origin: germline. Inheritance: Autosomal dominant inheritance. Affected: yes.
Comment: Based on the classification scheme VCGS_Germline_v1.3.4, this variant is classified as Likely Pathogenic. Following criteria are met: 0103 - Dominant negative and loss of function are known mechanisms of disease in this gene and are associated with autosomal dominant deafness 2A (MIM#600101). Missense variants have been shown to have a dominant negative effect on protein function, whereas variants resulting in a premature termination codon are either dominant negative or have a loss of function effect, where the mechanism depends on where the protein is truncated (PMID: 26036578). (I) 0107 - This gene is associated with autosomal dominant disease. However, rare examples of individuals with biallelic variants have been reported (PMID: 26036578, PMID: 31028865). (I) 0200 - Variant is predicted to result in a missense amino acid change from tryptophan to arginine. (I) 0251 - This variant is heterozygous. (I) 0301 - Variant is absent from gnomAD (both v2 and v3). (SP) 0309 - An alternative amino acid change at the same position has been observed in gnomAD (v3) (1 heterozygote, 0 homozygotes). (I) 0501 - Missense variant consistently predicted to be damaging by multiple in silico tools or highly conserved with a major amino acid change. (SP) 0602 - Variant is located in a hotspot region or cluster of pathogenic variants (DECIPHER, PMID: 30413759). (SP) 0703 - Another missense variant comparable to the one identified in this case has moderate previous evidence for pathogenicity. This alternative change (p.Trp276Ser) has been classified as pathogenic, and reported in many affected individuals with non-syndromic hearing loss (NSHL) (LOVD, ClinVar, deafnessvariationdatabase, PMID: 10369879, PMID: 30413759). Another comparable variant (p.Trp276Leu) has also been reported as pathogenic (deafnessvariationdatabase, PMID: 30413759), but was described in a cohort of individuals with autosomal recessive NSHL (PMID: 27068579). (SP) 0807 - This variant has no previous evidence of pathogenicity. (I) 0905 - No published segregation evidence has been identified for this variant. (I) 1007 - No published functional evidence has been identified for this variant. (I) 1208 - Inheritance information for this variant is not currently available in this individual. (I) Legend: (SP) - Supporting pathogenic, (I) - Information, (SB) - Supporting benign

Literature cited by the submitters: PubMed 10369879; PubMed 26036578; PubMed 27068579; PubMed 30413759; PubMed 31028865.